The following is an entry in ClinVar:

ClinVar aggregate classification (germline): Pathogenic (1 of 4 stars; one submission).

Submission:

Quest Diagnostics Nichols Institute San Juan Capistrano
Classification: Pathogenic. Last evaluated: 2022-03-02. Review status: criteria provided, single submitter. Criteria: ACMG/ClinGen CNV Guidelines, 2019. Collection method: clinical testing. Allele origin: unknown.
Comment: The deletion of 17p12 involves several genes, including PMP22. Hemizygous deletions of the PMP22 gene have been identified in patients with hereditary neuropathy with liability to pressure palsies (HNPP; OMIM 162500). HNPP is a demyelinating form of neuropathy characterized by episodes or periods of numbness and weakness, with a mean age of onset of 15 years. Of note: PMP22 deletions exhibit reduced penetrance, as some individuals who carry this deletion may remain undiagnosed due to few or no symptoms. Thus, the clinical significance of this copy number variant (CNV) is pathogenic.

GRCh37/hg19 17p12(chr17:14077819-15491532)x1

Genes: CDRT15 (CMT1A duplicated region transcript 15; minus strand), CDRT4 (CMT1A duplicated region transcript 4; minus strand), COX10 (cytochrome c oxidase assembly factor heme A:farnesyltransferase COX10; plus strand), HS3ST3B1 (heparan sulfate-glucosamine 3-sulfotransferase 3B1; plus strand), PMP22 (peripheral myelin protein 22; minus strand) and 3 more. Cytogenetic location: 17p12.
Variant type: copy number loss.
Change: copy number 1 (one copy instead of two) of chr17:14,077,819-15,491,532 (1.41 Mb, GRCh37 coordinates, 1-based), cytogenetic band 17p12.
Identifiers: ClinVar variation 1808529 (VCV001808529.1).